The following is an entry in ClinVar:

NM_000392.5(ABCC2):c.3635A>G (p.Glu1212Gly)

Gene: ABCC2 (ATP binding cassette subfamily C member 2; plus strand). Cytogenetic location: 10q24.2.
Variant type: single nucleotide variant.
Coding change: c.3635A>G on transcript NM_000392.5 (MANE Select); coding-DNA position 3635, A replaced by G.
Protein change: p.Glu1212Gly; replaces glutamic acid 1212 with glycine.
Molecular consequence: missense variant.
Genome position (GRCh38, 1-based): chr10:99,841,987, A>G. VCF-style: chr10-99841987-A-G. GRCh37 (hg19) VCF-style: chr10-101601744-A-G.
Other names: short protein forms E1212G.
Identifiers: ClinVar variation 4979866 (VCV004979866.1).
Genomic context (GRCh38, chr10:99,841,987, plus strand): 5'-TGATCAGTGACACGCACTCTCTGGTTCTGTTGCCCCACAGGTGGCTTGCAATTCGCCTGG[A>G]GCTGGTTGGGAACCTGACTGTCTTCTTTTCAGCCTTGATGATGGTTATTTATAGAGATAC-3'
Protein context (NP_000383.2, residues 1202-1222): TSNRWLAIRL[Glu1212Gly]LVGNLTVFFS

ClinVar aggregate classification (germline): Uncertain significance (1 of 4 stars; one submission).

Conditions:
ABCC2-related disorder. Also called: ABCC2-related condition.

gnomAD v4.1: 3 of 1,614,046 alleles (0.00019%); highest among the groups gnomAD compares: Admixed American, 0.0017%; no homozygotes.

Submission:

PreventionGenetics, part of Exact Sciences
Classification: Uncertain significance for ABCC2-related condition. Last evaluated: 2026-08-01. Review status: criteria provided, single submitter. Criteria: ACMG Guidelines, 2015. Collection method: clinical testing. Allele origin: germline.
Comment: The ABCC2 c.3635A>G variant is predicted to result in the amino acid substitution p.Glu1212Gly. To our knowledge, this variant has not been reported in the literature or in a large population database (gnomad), indicating this variant is rare. At this time, the clinical significance of this variant is uncertain due to the absence of conclusive functional and genetic evidence.